The following is an entry in ClinVar:

ClinVar aggregate classification (germline): Uncertain significance (1 of 4 stars; one submission).

Conditions:
Joubert syndrome 21 (JBTS21). Identifiers: MedGen C3810212, MONDO:0014288, OMIM 615636.

Submission:

Labcorp Genetics (formerly Invitae), Labcorp
Classification: Uncertain significance for Joubert syndrome 21. Last evaluated: 2021-09-17. Review status: criteria provided, single submitter. Criteria: Invitae Variant Classification Sherloc (09022015). Collection method: clinical testing. Allele origin: germline.
Comment: This variant has not been reported in the literature in individuals affected with CSPP1-related conditions. This variant is not present in population databases (ExAC no frequency). This sequence change replaces aspartic acid with tyrosine at codon 353 of the CSPP1 protein (p.Asp353Tyr). The aspartic acid residue is moderately conserved and there is a large physicochemical difference between aspartic acid and tyrosine. Algorithms developed to predict the effect of missense changes on protein structure and function (SIFT, PolyPhen-2, Align-GVGD) all suggest that this variant is likely to be tolerated. In summary, the available evidence is currently insufficient to determine the role of this variant in disease. Therefore, it has been classified as a Variant of Uncertain Significance.

NM_001382391.1(CSPP1):c.1030G>T (p.Asp344Tyr)

Gene: CSPP1 (centrosome and spindle pole associated protein 1; plus strand). Cytogenetic location: 8q13.2.
Variant type: single nucleotide variant.
Coding change: c.1030G>T on transcript NM_001382391.1 (MANE Select); coding-DNA position 1030, G replaced by T.
Protein change: p.Asp344Tyr; replaces aspartic acid 344 with tyrosine.
Molecular consequence: missense variant.
Genome position (GRCh38, 1-based): chr8:67,105,912, G>T. VCF-style: chr8-67105912-G-T. GRCh37 (hg19) VCF-style: chr8-68018147-G-T.
Other names: c.175G>T, p.Asp59Tyr (NM_001291339.2); c.949G>T, p.Asp317Tyr (NM_001363131.2, NM_001363133.2); c.1030G>T, p.Asp344Tyr (NM_001363132.2); c.1138G>T, p.Asp380Tyr (NM_001364869.1); c.958G>T, p.Asp320Tyr (NM_001364870.1); c.1057G>T, p.Asp353Tyr (NM_024790.7); short protein forms D320Y, D59Y, D317Y, D344Y, D353Y, D380Y.
Identifiers: ClinVar variation 1413686 (VCV001413686.6), dbSNP rs2129547771, ClinGen allele CA371194410.